The following is an entry in ClinVar:

ClinVar aggregate classification (germline): Likely benign. Review status: reviewed by expert panel (3 of 4 stars). 6 submissions from 6 submitters: Likely benign (1). 5 of the submissions do not count toward it. Last evaluated 2025-02-25.

Conditions:
Global developmental delay - lung cysts - overgrowth - Wilms tumor syndrome. Also called: GLOW Syndrome; GLOBAL DEVELOPMENTAL DELAY, LUNG CYSTS, OVERGROWTH, AND WILMS TUMOR. Identifiers: Orphanet 404476, MedGen C4748924, MONDO:0018445, OMIM 618272.
DICER1-related tumor predisposition. Also called: DICER1-related pleuropulmonary blastoma cancer predisposition syndrome; DICER1 syndrome. Identifiers: Orphanet 284343, MedGen C3839822, MONDO:0100216.
Hereditary cancer-predisposing syndrome. Also called: Hereditary neoplastic syndrome; Neoplastic Syndromes, Hereditary; Tumor predisposition; Hereditary Cancer Syndrome. Identifiers: Orphanet 140162, MedGen C0027672, MeSH D009386, MONDO:0015356.

Allele frequency attached by ClinVar (database versions not stated): gnomAD 0.00001; gnomAD exomes 0.00001 and 0.00002; ExAC 0.00002.
gnomAD v4.1: 22 of 1,613,956 alleles (0.0014%); highest among the groups gnomAD compares: African/African-American, 0.0013%; no homozygotes.

Submissions (6):

ClinGen DICER1 and miRNA-Processing Gene Variant Curation Expert Panel, ClinGen
Classification: Likely benign for DICER1-related tumor predisposition. Last evaluated: 2025-02-25. Review status: reviewed by expert panel. Criteria: ClinGen DICER1 ACMG Specifications DICER1 V1.3.0. Collection method: curation. Allele origin: germline. Inheritance: Autosomal dominant inheritance.
Comment: The NM_177438.2:c.5623G>A variant in DICER1 is a missense variant predicted to cause substitution of asparagine by aspartic acid at amino acid 1875 (p.Asp1875Asn). This variant has been seen in 10 or more unrelated females without tumors through age 50 in at least one testing laboratory (BS2_Supporting; Internal lab contributors). The highest population minor allele frequency in gnomAD v4.1.0 is 0.00007811 (5/64012 alleles) in European (Finnish) population (PM2_Supporting, BS1, and BA1 are not met). The computational predictor REVEL gives a score of 0.321, which is below the threshold of 0.5, and the splice site predictors MaxEntScan and SpliceAI indicate that the variant has no impact on splicing, evidence that does not predict a damaging effect on DICER1 function (BP4). Another missense variant c.5623G>T, p.Asp1875Tyr in the same codon has been reported (ClinVar Variation ID: 412042). However, this variant has not yet met the criteria to be classified as pathogenic by the ClinGen DICER1 VCEP (PM5 not met). In summary, this variant meets the criteria to be classified as likely benign for DICER1 related tumor predisposition based on the ACMG/AMP criteria applied, as specified by the ClinGen DICER1 VCEP: BS2_Supporting, BP4 (Bayesian Points: -2; VCEP specifications version 1.3.0; 02/25/2025)

Labcorp Genetics (formerly Invitae), Labcorp
Classification: Uncertain significance for DICER1-related tumor predisposition. Last evaluated: 2025-12-14. Review status: criteria provided, single submitter. Criteria: Invitae Variant Classification Sherloc (09022015). Collection method: clinical testing. Allele origin: germline. Not counted in ClinVar's aggregate classification.
Comment: This sequence change replaces aspartic acid, which is acidic and polar, with asparagine, which is neutral and polar, at codon 1875 of the DICER1 protein (p.Asp1875Asn). This variant is present in population databases (rs745601023, gnomAD 0.009%). This variant has not been reported in the literature in individuals affected with DICER1-related conditions. ClinVar contains an entry for this variant (Variation ID: 412160). Invitae Evidence Modeling of protein sequence and biophysical properties (such as structural, functional, and spatial information, amino acid conservation, physicochemical variation, residue mobility, and thermodynamic stability) indicates that this missense variant is not expected to disrupt DICER1 protein function with a negative predictive value of 95%. In summary, the available evidence is currently insufficient to determine the role of this variant in disease. Therefore, it has been classified as a Variant of Uncertain Significance.

Ambry Genetics
Classification: Uncertain significance for Hereditary cancer-predisposing syndrome. Last evaluated: 2025-03-13. Review status: criteria provided, single submitter. Criteria: Ambry Variant Classification Scheme 2023. Collection method: clinical testing. Allele origin: germline. Not counted in ClinVar's aggregate classification.
Comment: The p.D1875N variant (also known as c.5623G>A), located in coding exon 26 of the DICER1 gene, results from a G to A substitution at nucleotide position 5623. The aspartic acid at codon 1875 is replaced by asparagine, an amino acid with highly similar properties. This alteration was identified in a cohort of pancreatic cancer patients undergoing multigene panel testing (Young EL et al. BMC Cancer, 2018 Jun;18:697). This amino acid position is highly conserved in available vertebrate species. In addition, this alteration is predicted to be tolerated by in silico analysis. Based on the available evidence, the clinical significance of this variant remains unclear.

Hereditary Cancer Group, L’Institut d'Investigació Biomèdica de Bellvitge
Classification: Uncertain significance for Hereditary cancer-predisposing syndrome. Last evaluated: 2024-12-19. Review status: criteria provided, single submitter. Criteria: Hatton et al. (Hum Mutat. 2023). Collection method: clinical testing. Allele origin: germline. Inheritance: Autosomal dominant inheritance. Affected: yes. Not counted in ClinVar's aggregate classification.
Comment: No classification codes are met.

GeneDx
Classification: Uncertain significance. Last evaluated: 2023-12-15. Review status: criteria provided, single submitter. Criteria: GeneDx Variant Classification Process June 2021. Collection method: clinical testing. Allele origin: germline. Affected: yes. Not counted in ClinVar's aggregate classification.
Comment: Not observed at significant frequency in large population cohorts (gnomAD); In silico analysis supports that this missense variant has a deleterious effect on protein structure/function; Identified in an individual with pancreatic cancer (PMID: 29945567); This variant is associated with the following publications: (PMID: 29945567)

Baylor Genetics
Classification: Uncertain significance for Global developmental delay - lung cysts - overgrowth - Wilms tumor syndrome. Last evaluated: 2023-07-04. Review status: criteria provided, single submitter. Criteria: ACMG Guidelines, 2015. Collection method: clinical testing. Allele origin: unknown. Not counted in ClinVar's aggregate classification.

Literature cited by the submitters: PubMed 29945567 (cited by Ambry Genetics).

NM_177438.3(DICER1):c.5623G>A (p.Asp1875Asn)

Gene: DICER1 (dicer 1, ribonuclease III; minus strand). Cytogenetic location: 14q32.13.
Variant type: single nucleotide variant.
Coding change: c.5623G>A on transcript NM_177438.3 (MANE Select); coding-DNA position 5623, G replaced by A.
Protein change: p.Asp1875Asn; replaces aspartic acid 1875 with asparagine.
Molecular consequence: missense variant. On other transcripts: synonymous variant (1).
Genome position (GRCh38, 1-based): chr14:95,090,644, C>T on the plus strand (G>A on the coding strand, the complement: DICER1 is on the minus strand). VCF-style: chr14-95090644-C-T. GRCh37 (hg19) VCF-style: chr14-95556981-C-T.
Other names: NM_177438.3(DICER1):c.5623G>A; p.Asp1875Asn; c.5460G>A, p.Thr1820= (NM_001195573.1); c.5623G>A, p.Asp1875Asn (NM_001271282.3, NM_001291628.2, NM_030621.4); short protein forms D1875N.
Identifiers: ClinVar variation 412160 (VCV000412160.21), dbSNP rs745601023, ClinGen allele CA7330611.